The following is an entry in ClinVar:

NM_006846.4(SPINK5):c.3009T>C (p.Gly1003=)

Gene: SPINK5 (serine peptidase inhibitor Kazal type 5; plus strand). Cytogenetic location: 5q32.
Variant type: single nucleotide variant.
Coding change: c.3009T>C on transcript NM_006846.4 (MANE Select); coding-DNA position 3009, T replaced by C.
Protein change: p.Gly1003=; no amino-acid change (glycine 1003 retained).
Molecular consequence: synonymous variant.
Genome position (GRCh38, 1-based): chr5:148,131,303, T>C. VCF-style: chr5-148131303-T-C. GRCh37 (hg19) VCF-style: chr5-147510866-T-C.
Other names: p.Gly1003=; c.3099T>C, p.Gly1033= (NM_001127698.2).
Identifiers: ClinVar variation 260055 (VCV000260055.25), dbSNP rs2400478, ClinGen allele CA3496221.

ClinVar aggregate classification (germline): Benign/Likely benign. Review status: criteria provided, multiple submitters, no conflicts (2 of 4 stars). 9 submissions from 9 submitters: Benign (8); Likely benign (1). Last evaluated 2026-02-04.

Conditions:
Netherton syndrome (NETH). Also called: NETHERTON DISEASE; ERYTHRODERMA, ICHTHYOSIFORM, WITH HYPOTRICHOSIS AND HYPER-IgE; COMEL-NETHERTON SYNDROME. Identifiers: Orphanet 634, MedGen C5574950, MONDO:0009735, OMIM 256500.
Ichthyosis linearis circumflexa. Identifiers: MedGen C0265962, MONDO:0043106, HP:0025810.

Allele frequency attached by ClinVar (database versions not stated): 1000 Genomes Project 0.50919; 1000 Genomes Project 30x 0.51015; TOPMed 0.55843; ESP Exome Variant Server 0.56027; gnomAD 0.56146 and 0.56263.

Submissions (9):

Labcorp Genetics (formerly Invitae), Labcorp
Classification: Benign for Ichthyosis linearis circumflexa. Last evaluated: 2026-02-04. Review status: criteria provided, single submitter. Criteria: Invitae Variant Classification Sherloc (09022015). Collection method: clinical testing. Allele origin: germline.

Women's Health and Genetics/Laboratory Corporation of America, LabCorp
Classification: Benign. Last evaluated: 2026-01-08. Review status: criteria provided, single submitter. Criteria: LabCorp Variant Classification Summary - May 2015. Collection method: clinical testing. Allele origin: germline.

Blueprint Genetics
Classification: Likely benign. Last evaluated: 2024-11-26. Review status: criteria provided, single submitter. Criteria: ACMG Guidelines, 2015. Collection method: clinical testing. Allele origin: germline.

Unidad de Genómica Garrahan, Hospital de Pediatría Garrahan
Classification: Benign. Last evaluated: 2024-01-24. Review status: criteria provided, single submitter. Criteria: ACMG Guidelines, 2015. Collection method: clinical testing. Allele origin: germline. Affected: no. Observed: 80 variant alleles.
Comment: This variant is classified as Benign based on local population frequency. This variant was detected in 91% of patients studied by a panel of primary immunodeficiencies. Number of patients: 80. Only high quality variants are reported.

Mayo Clinic Laboratories, Mayo Clinic
Classification: Benign. Last evaluated: 2018-06-05. Review status: criteria provided, single submitter. Criteria: ACMG Guidelines, 2015. Collection method: clinical testing. Allele origin: germline. Observed: 111 variant alleles.

Illumina Laboratory Services, Illumina
Classification: Benign for Netherton syndrome. Last evaluated: 2018-01-13. Review status: criteria provided, single submitter. Criteria: ICSL Variant Classification Criteria 13 December 2019. Collection method: clinical testing. Allele origin: germline.
Comment: This variant was observed in the ICSL laboratory as part of a predisposition screen in an ostensibly healthy population. It had not been previously curated by ICSL or reported in the Human Gene Mutation Database (HGMD: prior to June 1st, 2018), and was therefore a candidate for classification through an automated scoring system. Utilizing variant allele frequency, disease prevalence and penetrance estimates, and inheritance mode, an automated score was calculated to assess if this variant is too frequent to cause the disease. Based on the score and internal cut-off values, a variant classified as benign is not then subjected to further curation. The score for this variant resulted in a classification of benign for this disease.

Laboratory for Molecular Medicine, Mass General Brigham Personalized Medicine
Classification: Benign. Last evaluated: 2016-03-28. Review status: criteria provided, single submitter. Criteria: LMM Criteria. Collection method: clinical testing. Allele origin: germline.
Comment: Variant identified in a genome or exome case(s) and assessed due to predicted null impact of the variant or pathogenic assertions in the literature or databases. Disclaimer: This variant has not undergone full assessment. The following are preliminary notes: Frequency

GeneDx
Classification: Benign. Last evaluated: 2015-03-03. Review status: criteria provided, single submitter. Criteria: GeneDx Variant Classification Process June 2021. Collection method: clinical testing. Allele origin: germline. Affected: yes.

PreventionGenetics, part of Exact Sciences
Classification: Benign. Review status: criteria provided, single submitter. Criteria: ACMG Guidelines, 2015. Collection method: clinical testing. Allele origin: germline.